The following is an entry in ClinVar:

NM_001365276.2(TNXB):c.10652C>T (p.Pro3551Leu)

Genes: TNXB (tenascin XB; minus strand), LOC106780803 (tenascin XB recombination region; plus strand). Cytogenetic location: 6p21.33.
Variant type: single nucleotide variant.
Coding change: c.10652C>T on transcript NM_001365276.2 (MANE Select); coding-DNA position 10652, C replaced by T.
Protein change: p.Pro3551Leu; replaces proline 3551 with leucine.
Molecular consequence: missense variant. On other transcripts: 5 prime UTR variant (1).
Genome position (GRCh38, 1-based): chr6:32,045,281, G>A on the plus strand (C>T on the coding strand, the complement: TNXB is on the minus strand). VCF-style: chr6-32045281-G-A. GRCh37 (hg19) VCF-style: chr6-32013058-G-A.
Other names: c.10646C>T, p.Pro3549Leu (NM_019105.8); c.-62C>T (NM_032470.4); short protein forms P3549L, P3551L.
Identifiers: ClinVar variation 2656442 (VCV002656442.24), dbSNP rs1262016110, ClinGen allele CA363527399.
Genomic context (GRCh38, chr6:32,045,281, plus strand): 5'-GAGTCTGGGGTTGTGTCGGTCACGGTCAGCACTCCTAGGCGGGGCTCTTCAGGAGGCTCA[G>A]GGGCCTCTGGGGCTAACTCTGGGGCTGGTGTGTCCTCTTCTGGGGCTGCGTGGGAGAAGC-3'
Protein context (NP_001352205.1, residues 3541-3561): TPAPELAPEA[Pro3551Leu]EPPEEPRLGV

ClinVar aggregate classification (germline): Uncertain significance (1 of 4 stars; one submission).

Allele frequency attached by ClinVar (database versions not stated): gnomAD 0.00003.

Submission:

CeGaT Center for Human Genetics Tuebingen
Classification: Uncertain significance. Last evaluated: 2023-08-01. Review status: criteria provided, single submitter. Criteria: CeGaT Center For Human Genetics Tuebingen Variant Classification Criteria Version 2. Collection method: clinical testing. Allele origin: germline. Affected: yes. Observed: 1 variant allele.
Comment: TNXB: PM2, BP4